The following is an entry in ClinVar:

ClinVar aggregate classification (germline): Likely benign (0 of 4 stars; one submission).

Conditions:
SMOC2-related disorder. Also called: SMOC2-related condition.

Allele frequency attached by ClinVar (database versions not stated): gnomAD exomes 0.00007; ExAC 0.00009; gnomAD 0.00027; TOPMed 0.00048.
gnomAD v4.1: 156 of 1,613,830 alleles (0.0097%); highest among the groups gnomAD compares: Admixed American, 0.077%; no homozygotes.

Submission:

PreventionGenetics, part of Exact Sciences
Classification: Likely benign for SMOC2-related condition. Last evaluated: 2019-10-30. Review status: no assertion criteria provided. Collection method: clinical testing. Allele origin: germline.
Comment: This variant is classified as likely benign based on ACMG/AMP sequence variant interpretation guidelines (Richards et al. 2015 PMID: 25741868, with internal and published modifications).

NM_001166412.2(SMOC2):c.1053G>A (p.Val351=)

Gene: SMOC2 (SPARC related modular calcium binding 2; plus strand). Cytogenetic location: 6q27.
Variant type: single nucleotide variant.
Coding change: c.1053G>A on transcript NM_001166412.2 (MANE Select); coding-DNA position 1053, G replaced by A.
Protein change: p.Val351=; no amino-acid change (valine 351 retained).
Molecular consequence: synonymous variant.
Genome position (GRCh38, 1-based): chr6:168,652,996, G>A. VCF-style: chr6-168652996-G-A. GRCh37 (hg19) VCF-style: chr6-169053676-G-A.
Other names: c.1086G>A, p.Val362= (NM_022138.3).
Identifiers: ClinVar variation 3045231 (VCV003045231.2), dbSNP rs758931067, ClinGen allele CA4102431.